The following is an entry in ClinVar:

ClinVar aggregate classification (germline): Uncertain significance (1 of 4 stars; one submission).

Conditions:
Inborn genetic diseases. Identifiers: MedGen C0950123, MeSH D030342.

Allele frequency attached by ClinVar (database versions not stated): gnomAD exomes below 0.00001.
gnomAD v4.1: 1 of 1,613,964 alleles (0.000062%); highest among the groups gnomAD compares: East Asian, 0.0022%; no homozygotes.

Submission:

Ambry Genetics
Classification: Uncertain significance for Inborn genetic diseases. Last evaluated: 2024-02-22. Review status: criteria provided, single submitter. Criteria: Ambry Variant Classification Scheme 2023. Collection method: clinical testing. Allele origin: germline.
Comment: The p.H751R variant (also known as c.2252A>G), located in coding exon 10 of the ATR gene, results from an A to G substitution at nucleotide position 2252. The histidine at codon 751 is replaced by arginine, an amino acid with highly similar properties. This amino acid position is conserved. In addition, this alteration is predicted to be tolerated by in silico analysis. Based on the available evidence, the clinical significance of this alteration remains unclear.

NM_001184.4(ATR):c.2252A>G (p.His751Arg)

Gene: ATR (ATR checkpoint kinase; minus strand). Cytogenetic location: 3q23.
Variant type: single nucleotide variant.
Coding change: c.2252A>G on transcript NM_001184.4 (MANE Select); coding-DNA position 2252, A replaced by G.
Protein change: p.His751Arg; replaces histidine 751 with arginine.
Molecular consequence: missense variant.
Genome position (GRCh38, 1-based): chr3:142,555,966, T>C on the plus strand (A>G on the coding strand, the complement: ATR is on the minus strand). VCF-style: chr3-142555966-T-C. GRCh37 (hg19) VCF-style: chr3-142274808-T-C.
Other names: c.2060A>G, p.His687Arg (NM_001354579.2); short protein forms H687R, H751R.
Identifiers: ClinVar variation 3221078 (VCV003221078.1), dbSNP rs1408800533, ClinGen allele CA354818663.